The following is an entry in ClinVar:

NM_001042492.3(NF1):c.4936dup (p.Thr1646fs)

Gene: NF1 (neurofibromin 1; plus strand). Cytogenetic location: 17q11.2.
Variant type: Duplication.
Coding change: c.4936dup on transcript NM_001042492.3 (MANE Select); coding-DNA position 4936, one base duplicated (A; older notation c.4936dupA).
Protein change: p.Thr1646fs; shifts the reading frame from threonine 1646.
Molecular consequence: frameshift variant.
Genome position (GRCh38, 1-based): chr17:31,325,920, A duplicated. VCF-style (leftmost placement, unchanged base first): chr17-31325919-T-TA. GRCh37 (hg19) VCF-style: chr17-29652937-T-TA.
Other names: c.4873dup, p.Thr1625Asnfs (NM_000267.4); short protein forms T1646fs, T1625fs.
Identifiers: ClinVar variation 3722679 (VCV003722679.2).

ClinVar aggregate classification (germline): Pathogenic (1 of 4 stars; one submission).

Conditions:
Neurofibromatosis, type 1 (NF1). Also called: VON RECKLINGHAUSEN DISEASE; NEUROFIBROMATOSIS, TYPE I, SOMATIC; Peripheral type neurofibromatosis; Neurofibromatosis, type I. Identifiers: Orphanet 636, MedGen C0027831, MONDO:0018975, OMIM 162200. Disease mechanism: loss of function.

Submission:

Labcorp Genetics (formerly Invitae), Labcorp
Classification: Pathogenic for Neurofibromatosis, type 1. Last evaluated: 2025-11-19. Review status: criteria provided, single submitter. Criteria: Invitae Variant Classification Sherloc (09022015). Collection method: clinical testing. Allele origin: germline.
Comment: This sequence change creates a premature translational stop signal (p.Thr1625Asnfs*6) in the NF1 gene. It is expected to result in an absent or disrupted protein product. Loss-of-function variants in NF1 are known to be pathogenic (PMID: 10712197, 23913538). This variant is not present in population databases (gnomAD no frequency). This premature translational stop signal has been observed in individual(s) with neurofibromatosis type 1 (PMID: 9222967). ClinVar contains an entry for this variant (Variation ID: 3722679). For these reasons, this variant has been classified as Pathogenic.

Literature cited by the submitters: PubMed 10712197; PubMed 23913538; PubMed 9222967.